The following is an entry in ClinVar:

NM_014249.4(NR2E3):c.919A>C (p.Ile307Leu)

Gene: NR2E3 (nuclear receptor subfamily 2 group E member 3; plus strand). Cytogenetic location: 15q23.
Variant type: single nucleotide variant.
Coding change: c.919A>C on transcript NM_014249.4 (MANE Select); coding-DNA position 919, A replaced by C.
Protein change: p.Ile307Leu; replaces isoleucine 307 with leucine.
Molecular consequence: missense variant.
Genome position (GRCh38, 1-based): chr15:71,813,560, A>C. VCF-style: chr15-71813560-A-C. GRCh37 (hg19) VCF-style: chr15-72105900-A-C.
Other names: c.919A>C, p.Ile307Leu (NM_016346.4); c.919A>C (NM_014249.2); short protein forms I307L.
Identifiers: ClinVar variation 2140895 (VCV002140895.8), dbSNP rs375975199, ClinGen allele CA7640431.

ClinVar aggregate classification (germline): Uncertain significance. Review status: criteria provided, multiple submitters, no conflicts (2 of 4 stars). 3 submissions from 3 submitters: Uncertain significance (3). Last evaluated 2025-11-03.

Conditions:
Inborn genetic diseases. Identifiers: MedGen C0950123, MeSH D030342.

Allele frequency attached by ClinVar (database versions not stated): gnomAD exomes 0.00002; TOPMed 0.00003; ExAC 0.00006; ESP Exome Variant Server 0.00008.
gnomAD v4.1: 44 of 1,613,726 alleles (0.0027%); highest among the groups gnomAD compares: Admixed American, 0.0067%; no homozygotes.

Submissions (3):

Labcorp Genetics (formerly Invitae), Labcorp
Classification: Uncertain significance. Last evaluated: 2025-11-03. Review status: criteria provided, single submitter. Criteria: Invitae Variant Classification Sherloc (09022015). Collection method: clinical testing. Allele origin: germline.
Comment: This sequence change replaces isoleucine, which is neutral and non-polar, with leucine, which is neutral and non-polar, at codon 307 of the NR2E3 protein (p.Ile307Leu). This variant is present in population databases (rs375975199, gnomAD 0.01%). This variant has not been reported in the literature in individuals affected with NR2E3-related conditions. ClinVar contains an entry for this variant (Variation ID: 2140895). Invitae Evidence Modeling of protein sequence and biophysical properties (such as structural, functional, and spatial information, amino acid conservation, physicochemical variation, residue mobility, and thermodynamic stability) indicates that this missense variant is not expected to disrupt NR2E3 protein function with a negative predictive value of 80%. In summary, the available evidence is currently insufficient to determine the role of this variant in disease. Therefore, it has been classified as a Variant of Uncertain Significance.

Ambry Genetics
Classification: Uncertain significance for Inborn genetic diseases. Last evaluated: 2025-10-21. Review status: criteria provided, single submitter. Criteria: Ambry Variant Classification Scheme 2023. Collection method: clinical testing. Allele origin: germline.

Blueprint Genetics
Classification: Uncertain significance. Last evaluated: 2024-03-15. Review status: criteria provided, single submitter. Criteria: ACMG Guidelines, 2015. Collection method: clinical testing. Allele origin: germline.